The following is an entry in ClinVar:

NM_012418.4(FSCN2):c.13G>A (p.Gly5Ser)

Gene: FSCN2 (fascin actin-bundling protein 2, retinal; plus strand). Cytogenetic location: 17q25.3.
Variant type: single nucleotide variant.
Coding change: c.13G>A on transcript NM_012418.4 (MANE Select); coding-DNA position 13, G replaced by A.
Protein change: p.Gly5Ser; replaces glycine 5 with serine.
Molecular consequence: missense variant.
Genome position (GRCh38, 1-based): chr17:81,528,544, G>A. VCF-style: chr17-81528544-G-A. GRCh37 (hg19) VCF-style: chr17-79495570-G-A.
Other names: c.13G>A, p.Gly5Ser (NM_001077182.3); short protein forms G5S.
Identifiers: ClinVar variation 1420210 (VCV001420210.6), dbSNP rs782301642, ClinGen allele CA8836560.

ClinVar aggregate classification (germline): Uncertain significance (1 of 4 stars; one submission).

Allele frequency attached by ClinVar (database versions not stated): TOPMed below 0.00001; gnomAD 0.00001 and 0.00003; gnomAD exomes 0.00001 and 0.00002; ExAC 0.00006.
gnomAD v4.1: 14 of 1,597,404 alleles (0.00088%); highest among the groups gnomAD compares: East Asian, 0.0045%; no homozygotes.

Submission:

Labcorp Genetics (formerly Invitae), Labcorp
Classification: Uncertain significance. Last evaluated: 2025-09-25. Review status: criteria provided, single submitter. Criteria: Invitae Variant Classification Sherloc (09022015). Collection method: clinical testing. Allele origin: germline.
Comment: This sequence change replaces glycine, which is neutral and non-polar, with serine, which is neutral and polar, at codon 5 of the FSCN2 protein (p.Gly5Ser). The frequency data for this variant in the population databases is considered unreliable, as metrics indicate poor data quality at this position in the gnomAD database. This variant has not been reported in the literature in individuals affected with FSCN2-related conditions. ClinVar contains an entry for this variant (Variation ID: 1420210). An algorithm developed to predict the effect of missense changes on protein structure and function (PolyPhen-2) suggests that this variant is likely to be tolerated. In summary, the available evidence is currently insufficient to determine the role of this variant in disease. Therefore, it has been classified as a Variant of Uncertain Significance.